The following is an entry in ClinVar:

NM_022051.3(EGLN1):c.1025T>C (p.Ile342Thr)

Gene: EGLN1 (egl-9 family hypoxia inducible factor 1; minus strand). Cytogenetic location: 1q42.2.
Variant type: single nucleotide variant.
Coding change: c.1025T>C on transcript NM_022051.3 (MANE Select); coding-DNA position 1025, T replaced by C.
Protein change: p.Ile342Thr; replaces isoleucine 342 with threonine.
Molecular consequence: missense variant. On other transcripts: intron variant (1).
Genome position (GRCh38, 1-based): chr1:231,370,685, A>G on the plus strand (T>C on the coding strand, the complement: EGLN1 is on the minus strand). VCF-style: chr1-231370685-A-G. GRCh37 (hg19) VCF-style: chr1-231506431-A-G.
Other names: c.1025T>C, p.Ile342Thr (NM_001377260.1); c.1012-3049T>C (NM_001377261.1); short protein forms I342T.
Identifiers: ClinVar variation 4247396 (VCV004247396.1).

ClinVar aggregate classification (germline): Uncertain significance (1 of 4 stars; one submission).

Submission:

Ambry Genetics
Classification: Uncertain significance. Last evaluated: 2025-08-02. Review status: criteria provided, single submitter. Criteria: Ambry Variant Classification Scheme 2023. Collection method: clinical testing. Allele origin: germline.
Comment: The p.I342T variant (also known as c.1025T>C), located in coding exon 3 of the EGLN1 gene, results from a T to C substitution at nucleotide position 1025. The isoleucine at codon 342 is replaced by threonine, an amino acid with similar properties. This amino acid position is conserved. In addition, this alteration is predicted to be tolerated by in silico analysis. Based on the available evidence, the clinical significance of this variant remains unclear.